The following is an entry in ClinVar:

NM_003560.4(PLA2G6):c.2277-7C>T

Gene: PLA2G6 (phospholipase A2 group VI; minus strand). Cytogenetic location: 22q13.1.
Variant type: single nucleotide variant.
Coding change: c.2277-7C>T on transcript NM_003560.4 (MANE Select); 7 bases into the intron before coding-DNA position 2277, C replaced by T.
Molecular consequence: intron variant.
Genome position (GRCh38, 1-based): chr22:38,112,312, G>A on the plus strand (C>T on the coding strand, the complement: PLA2G6 is on the minus strand). VCF-style: chr22-38112312-G-A. GRCh37 (hg19) VCF-style: chr22-38508319-G-A.
Other names: c.1599-7C>T (NM_001349868.2); c.2115-7C>T (NM_001349866.2, NM_001199562.3, NM_001349865.2 and 1 more transcripts); c.1581-7C>T (NM_001349869.2); c.1743-7C>T (NM_001349867.2); c.2277-7C>T (NM_001349864.2).
Identifiers: ClinVar variation 444588 (VCV000444588.47), dbSNP rs571223704, ClinGen allele CA10230548.

ClinVar aggregate classification (germline): Likely benign. Review status: criteria provided, multiple submitters, no conflicts (2 of 4 stars). 2 submissions from 2 submitters: Likely benign (2). Last evaluated 2026-01-14.

Conditions:
Infantile neuroaxonal dystrophy (NBIA2A). Also called: Infantile neuroaxonal dystrophy 1; NEURODEGENERATION WITH BRAIN IRON ACCUMULATION 2A; SEITELBERGER DISEASE. Identifiers: Orphanet 35069, MedGen C0270724, MONDO:0024457, OMIM 256600.

Allele frequency attached by ClinVar (database versions not stated): gnomAD 0.00002 and 0.00003; gnomAD exomes 0.00003 and 0.00004; ExAC 0.00004; TOPMed 0.00004; 1000 Genomes Project 30x 0.00016; 1000 Genomes Project 0.00020.
gnomAD v4.1: 60 of 1,612,900 alleles (0.0037%); highest among the groups gnomAD compares: South Asian, 0.0055%; 1 homozygote.

Submissions (2):

Labcorp Genetics (formerly Invitae), Labcorp
Classification: Likely benign for Infantile neuroaxonal dystrophy. Last evaluated: 2026-01-14. Review status: criteria provided, single submitter. Criteria: Invitae Variant Classification Sherloc (09022015). Collection method: clinical testing. Allele origin: germline.

CeGaT Center for Human Genetics Tuebingen
Classification: Likely benign. Last evaluated: 2022-05-01. Review status: criteria provided, single submitter. Criteria: CeGaT Center For Human Genetics Tuebingen Variant Classification Criteria Version 2. Collection method: clinical testing. Allele origin: germline. Affected: yes. Observed: 2 variant alleles.
Comment: PLA2G6: BP4